The following is an entry in ClinVar:

NM_000051.4(ATM):c.5450dup (p.Gly1818fs)

Gene: ATM (ATM serine/threonine kinase; plus strand). Cytogenetic location: 11q22.3.
Variant type: Duplication.
Coding change: c.5450dup on transcript NM_000051.4 (MANE Select); coding-DNA position 5450, one base duplicated (G; older notation c.5450dupG).
Protein change: p.Gly1818fs; shifts the reading frame from glycine 1818.
Molecular consequence: frameshift variant.
Genome position (GRCh38, 1-based): chr11:108,302,983, G duplicated; the last of 2 consecutive G bases (chr11:108,302,982-108,302,983); duplicating either gives the same sequence. VCF-style (leftmost placement, unchanged base first): chr11-108302981-T-TG. GRCh37 (hg19) VCF-style: chr11-108173708-T-TG.
Other names: c.5450dup, p.Gly1818fs (NM_001351834.2); c.5450dupG (NM_000051.3); short protein forms G1818fs.
Identifiers: ClinVar variation 1747612 (VCV001747612.2), dbSNP rs2546980419, ClinGen allele CA2580083140.
Genomic context (GRCh38, chr11:108,302,981, plus strand): 5'-TCCTCTAAGTGAAAATCATGACATTTGGATAAAGACACTGACTTGTGCTTTTTTGGACAG[T>TG]GGAGGCACAAAATGTGAAATTCTTCAATTATTAAAGCCAATGTGTGAAGTAAGAAGATTA-3'

ClinVar aggregate classification (germline): Pathogenic (1 of 4 stars; one submission).

Conditions:
Hereditary cancer-predisposing syndrome. Also called: Hereditary Cancer Syndrome; Neoplastic Syndromes, Hereditary; Tumor predisposition; Hereditary neoplastic syndrome. Identifiers: Orphanet 140162, MedGen C0027672, MeSH D009386, MONDO:0015356.

Submission:

Ambry Genetics
Classification: Pathogenic for Hereditary cancer-predisposing syndrome. Last evaluated: 2021-07-29. Review status: criteria provided, single submitter. Criteria: Ambry Variant Classification Scheme 2023. Collection method: clinical testing. Allele origin: germline.
Comment: The c.5450dupG pathogenic mutation, located in coding exon 35 of the ATM gene, results from a duplication of G at nucleotide position 5450, causing a translational frameshift with a predicted alternate stop codon (p.G1818Rfs*5). This variant is considered to be rare based on population cohorts in the Genome Aggregation Database (gnomAD). This alteration is expected to result in loss of function by premature protein truncation or nonsense-mediated mRNA decay. As such, this alteration is interpreted as a disease-causing mutation.